The following is an entry in ClinVar:

ClinVar aggregate classification (germline): Likely benign (1 of 4 stars; one submission).

Submission:

CeGaT Center for Human Genetics Tuebingen
Classification: Likely benign. Last evaluated: 2025-01-01. Review status: criteria provided, single submitter. Criteria: CeGaT Center For Human Genetics Tuebingen Variant Classification Criteria Version 2. Collection method: clinical testing. Allele origin: germline. Affected: yes. Observed: 2 variant alleles.
Comment: OR1S2: BP4, BP7

NM_001004459.2(OR1S2):c.195C>T (p.Tyr65=)

Gene: OR1S2 (olfactory receptor family 1 subfamily S member 2; minus strand). Cytogenetic location: 11q12.1.
Variant type: single nucleotide variant.
Coding change: c.195C>T on transcript NM_001004459.2 (MANE Select); coding-DNA position 195, C replaced by T.
Protein change: p.Tyr65=; no amino-acid change (tyrosine 65 retained).
Molecular consequence: synonymous variant.
Genome position (GRCh38, 1-based): chr11:58,203,948, G>A on the plus strand (C>T on the coding strand, the complement: OR1S2 is on the minus strand). VCF-style: chr11-58203948-G-A. GRCh37 (hg19) VCF-style: chr11-57971420-G-A.
Identifiers: ClinVar variation 3388136 (VCV003388136.14).
Genomic context (GRCh38, chr11:58,203,948, plus strand): 5'-AATATTCACCAGCATTTTGGGGACTGAGTTGGAAATGGAGGAAATATCAGCAAAGGATAG[G>A]TAGGCAAGGAAGAGATACATGGGGGTGTGAAGGTATATATCCAAGCTGATAGCCACAATG-3'
Protein context (NP_001004459.2, residues 55-75): LHTPMYLFLA[Tyr65=]LSFADISSIS